The following is an entry in ClinVar:

ClinVar aggregate classification (germline): Uncertain significance. Review status: criteria provided, multiple submitters, no conflicts (2 of 4 stars). 3 submissions from 3 submitters: Uncertain significance (3). Last evaluated 2025-12-01.

Conditions:
Nephronophthisis 9 (NPHP9). Identifiers: Orphanet 655, MedGen C3151188, MONDO:0013444, OMIM 613824.
Renal-hepatic-pancreatic dysplasia 2 (RHPD2). Identifiers: MedGen C3809434, MONDO:0014174, OMIM 615415.
Inborn genetic diseases. Identifiers: MedGen C0950123, MeSH D030342.

Allele frequency attached by ClinVar (database versions not stated): gnomAD 0.00004 and 0.00008; gnomAD exomes 0.00006 and 0.00010; TOPMed 0.00008; ExAC 0.00010; ESP Exome Variant Server 0.00015; 1000 Genomes Project 30x 0.00031; 1000 Genomes Project 0.00040.
gnomAD v4.1: 158 of 1,614,172 alleles (0.0098%); highest among the groups gnomAD compares: Middle Eastern, 0.049%; 1 homozygote.

Submissions (3):

Labcorp Genetics (formerly Invitae), Labcorp
Classification: Uncertain significance for Nephronophthisis 9. Last evaluated: 2025-12-01. Review status: criteria provided, single submitter. Criteria: Invitae Variant Classification Sherloc (09022015). Collection method: clinical testing. Allele origin: germline.
Comment: This sequence change replaces serine, which is neutral and polar, with leucine, which is neutral and non-polar, at codon 579 of the NEK8 protein (p.Ser579Leu). This variant is present in population databases (rs149987249, gnomAD 0.02%). This missense change has been observed in individual(s) with polycystic kidney disease (PMID: 37372416). ClinVar contains an entry for this variant (Variation ID: 1480575). An algorithm developed to predict the effect of missense changes on protein structure and function outputs the following: PolyPhen-2: "Benign". The leucine amino acid residue is found in multiple mammalian species, which suggests that this missense change does not adversely affect protein function. In summary, the available evidence is currently insufficient to determine the role of this variant in disease. Therefore, it has been classified as a Variant of Uncertain Significance.

Ambry Genetics
Classification: Uncertain significance for Inborn genetic diseases. Last evaluated: 2025-05-17. Review status: criteria provided, single submitter. Criteria: Ambry Variant Classification Scheme 2023. Collection method: clinical testing. Allele origin: germline.

Fulgent Genetics
Classification: Uncertain significance for Nephronophthisis 9; Renal-hepatic-pancreatic dysplasia 2. Last evaluated: 2022-01-13. Review status: criteria provided, single submitter. Criteria: ACMG Guidelines, 2015. Collection method: clinical testing. Allele origin: unknown.

Literature cited by the submitters: PubMed 37372416 (cited by Labcorp Genetics (formerly Invitae), Labcorp).

NM_178170.3(NEK8):c.1736C>T (p.Ser579Leu)

Gene: NEK8 (NIMA related kinase 8; plus strand). Cytogenetic location: 17q11.2.
Variant type: single nucleotide variant.
Coding change: c.1736C>T on transcript NM_178170.3 (MANE Select); coding-DNA position 1736, C replaced by T.
Protein change: p.Ser579Leu; replaces serine 579 with leucine.
Molecular consequence: missense variant.
Genome position (GRCh38, 1-based): chr17:28,741,081, C>T. VCF-style: chr17-28741081-C-T. GRCh37 (hg19) VCF-style: chr17-27068099-C-T.
Other names: c.1736C>T (NM_178170.2); short protein forms S579L.
Identifiers: ClinVar variation 1480575 (VCV001480575.11), dbSNP rs149987249, ClinGen allele CA8467526.